The following is an entry in ClinVar:

NM_000327.4(ROM1):c.926A>C (p.Tyr309Ser)

Gene: ROM1 (retinal outer segment membrane protein 1; plus strand). Cytogenetic location: 11q12.3.
Variant type: single nucleotide variant.
Coding change: c.926A>C on transcript NM_000327.4 (MANE Select); coding-DNA position 926, A replaced by C.
Protein change: p.Tyr309Ser; replaces tyrosine 309 with serine.
Molecular consequence: missense variant.
Genome position (GRCh38, 1-based): chr11:62,614,709, A>C. VCF-style: chr11-62614709-A-C. GRCh37 (hg19) VCF-style: chr11-62382181-A-C.
Other names: short protein forms Y309S.
Identifiers: ClinVar variation 879755 (VCV000879755.12), dbSNP rs374968800, ClinGen allele CA6049878.

ClinVar aggregate classification (germline): Uncertain significance. Review status: criteria provided, multiple submitters, no conflicts (2 of 4 stars). 3 submissions from 3 submitters: Uncertain significance (3). Last evaluated 2025-06-12.

Conditions:
Retinitis pigmentosa (RP). Identifiers: Orphanet 791, MedGen C0035334, MeSH D012174, MONDO:0019200, OMIM 268000. Inheritance: Autosomal dominant, autosomal recessive and X linked inheritance.

Allele frequency attached by ClinVar (database versions not stated): TOPMed 0.00001; gnomAD 0.00003; gnomAD exomes 0.00004 and 0.00005; ExAC 0.00005; ESP Exome Variant Server 0.00008.
gnomAD v4.1: 62 of 1,614,078 alleles (0.0038%); highest among the groups gnomAD compares: Middle Eastern, 0.016%; no homozygotes.

Submissions (3):

Labcorp Genetics (formerly Invitae), Labcorp
Classification: Uncertain significance. Last evaluated: 2025-06-12. Review status: criteria provided, single submitter. Criteria: Invitae Variant Classification Sherloc (09022015). Collection method: clinical testing. Allele origin: germline.
Comment: This sequence change replaces tyrosine, which is neutral and polar, with serine, which is neutral and polar, at codon 309 of the ROM1 protein (p.Tyr309Ser). This variant is present in population databases (rs374968800, gnomAD 0.007%). This variant has not been reported in the literature in individuals affected with ROM1-related conditions. ClinVar contains an entry for this variant (Variation ID: 879755). Invitae Evidence Modeling of protein sequence and biophysical properties (such as structural, functional, and spatial information, amino acid conservation, physicochemical variation, residue mobility, and thermodynamic stability) indicates that this missense variant is not expected to disrupt ROM1 protein function with a negative predictive value of 80%. In summary, the available evidence is currently insufficient to determine the role of this variant in disease. Therefore, it has been classified as a Variant of Uncertain Significance.

Ambry Genetics
Classification: Uncertain significance. Last evaluated: 2024-05-29. Review status: criteria provided, single submitter. Criteria: Ambry Variant Classification Scheme 2023. Collection method: clinical testing. Allele origin: germline.

Illumina Laboratory Services, Illumina
Classification: Uncertain significance for Retinitis pigmentosa. Last evaluated: 2018-01-13. Review status: criteria provided, single submitter. Criteria: ICSL Variant Classification Criteria 13 December 2019. Collection method: clinical testing. Allele origin: germline.